The following is an entry in ClinVar:

NC_000019.9:g.(?_55652231)_(55658525_?)del

Gene: TNNT1 (troponin T1, slow skeletal type; minus strand). Cytogenetic location: 19q13.42.
Variant type: Deletion.
Identifiers: ClinVar variation 3248446 (VCV003248446.1).

ClinVar aggregate classification (germline): Pathogenic (1 of 4 stars; one submission).

Conditions:
Nemaline myopathy 5 (NEM5A). Also called: NEMALINE MYOPATHY, AMISH TYPE; NEMALINE MYOPATHY 5A, AUTOSOMAL RECESSIVE, SEVERE INFANTILE; Nemaline myopathy 5, Amish type. Identifiers: Orphanet 98902, MedGen C1854380, MONDO:0011539, OMIM 605355.

Submission:

Labcorp Genetics (formerly Invitae), Labcorp
Classification: Pathogenic for Nemaline myopathy 5. Last evaluated: 2023-06-21. Review status: criteria provided, single submitter. Criteria: Invitae Variant Classification Sherloc (09022015). Collection method: clinical testing. Allele origin: unknown.
Comment: For these reasons, this variant has been classified as Pathogenic. This variant has not been reported in the literature in individuals affected with TNNT1-related conditions. This variant is a gross deletion of the genomic region encompassing exon(s) 2-9 of the TNNT1 gene, which includes the initiator codon. This deletion extends beyond the assayed region for this gene and therefore may encompass additional genes. It is expected to result in an absent or disrupted protein product. Loss-of-function variants in TNNT1 are known to be pathogenic (PMID: 10952871, 24689076, 25430424).

Literature cited by the submitters: PubMed 10952871; PubMed 24689076; PubMed 25430424.